The following is an entry in ClinVar:

NM_198525.3(KIF7):c.2308G>A (p.Glu770Lys)

Gene: KIF7 (kinesin family member 7; minus strand). Cytogenetic location: 15q26.1.
Variant type: single nucleotide variant.
Coding change: c.2308G>A on transcript NM_198525.3 (MANE Select); coding-DNA position 2308, G replaced by A.
Protein change: p.Glu770Lys; replaces glutamic acid 770 with lysine.
Molecular consequence: missense variant.
Genome position (GRCh38, 1-based): chr15:89,642,289, C>T on the plus strand (G>A on the coding strand, the complement: KIF7 is on the minus strand). VCF-style: chr15-89642289-C-T. GRCh37 (hg19) VCF-style: chr15-90185520-C-T.
Other names: short protein forms E770K.
Identifiers: ClinVar variation 1367500 (VCV001367500.6), dbSNP rs148779858, ClinGen allele CA7728240.

ClinVar aggregate classification (germline): Uncertain significance (1 of 4 stars; one submission).

Conditions:
Acrocallosal syndrome (ACLS). Also called: HALLUX DUPLICATION, POSTAXIAL POLYDACTYLY, AND ABSENCE OF CORPUS CALLOSUM; Schinzel syndrome 1; Absence of corpus callosum with unusual facial appearance, mental deficiency, duplication of the halluces and polydactyly. Identifiers: Orphanet 36, MedGen C0796147, MONDO:0008708, OMIM 200990.

Allele frequency attached by ClinVar (database versions not stated): ExAC 0.00002; gnomAD exomes 0.00003 and 0.00004; gnomAD 0.00004 and 0.00005; ESP Exome Variant Server 0.00015.

Submission:

Labcorp Genetics (formerly Invitae), Labcorp
Classification: Uncertain significance for Acrocallosal syndrome. Last evaluated: 2023-11-27. Review status: criteria provided, single submitter. Criteria: Invitae Variant Classification Sherloc (09022015). Collection method: clinical testing. Allele origin: germline.
Comment: This sequence change replaces glutamic acid, which is acidic and polar, with lysine, which is basic and polar, at codon 770 of the KIF7 protein (p.Glu770Lys). This variant is present in population databases (rs148779858, gnomAD 0.02%). This variant has not been reported in the literature in individuals affected with KIF7-related conditions. ClinVar contains an entry for this variant (Variation ID: 1367500). Advanced modeling of protein sequence and biophysical properties (such as structural, functional, and spatial information, amino acid conservation, physicochemical variation, residue mobility, and thermodynamic stability) performed at Invitae indicates that this missense variant is expected to disrupt KIF7 protein function with a positive predictive value of 80%. In summary, the available evidence is currently insufficient to determine the role of this variant in disease. Therefore, it has been classified as a Variant of Uncertain Significance.